The following is an entry in ClinVar:

NM_014956.5(CEP164):c.553-12_688-79del

Gene: CEP164 (centrosomal protein 164; plus strand). Cytogenetic location: 11q23.3.
Variant type: Deletion.
Coding change: c.553-12_688-79del on transcript NM_014956.5 (MANE Select); 12 bases into the intron before coding-DNA position 553 through 79 bases into the intron before coding-DNA position 688, 959 bases deleted.
Molecular consequence: splice acceptor variant, splice donor variant.
Genome position (GRCh38, 1-based): chr11:117,362,392-117,363,350, 959 bases deleted. GRCh37 (hg19): chr11:117,233,108-117,234,066.
Other names: c.553-12_688-79del (NM_001271933.2).
Identifiers: ClinVar variation 1519825 (VCV001519825.6), dbSNP rs2135702447, ClinGen allele CA2573146880.

ClinVar aggregate classification (germline): Uncertain significance (1 of 4 stars; one submission).

Conditions:
Nephronophthisis 15 (NPHP15). Identifiers: Orphanet 3156, MedGen C3541853, MONDO:0013917, OMIM 614845.

Submission:

Labcorp Genetics (formerly Invitae), Labcorp
Classification: Uncertain significance for Nephronophthisis 15. Last evaluated: 2022-07-19. Review status: criteria provided, single submitter. Criteria: Invitae Variant Classification Sherloc (09022015). Collection method: clinical testing. Allele origin: germline.
Comment: Experimental studies and prediction algorithms are not available or were not evaluated, and the functional significance of this variant is currently unknown. In summary, the available evidence is currently insufficient to determine the role of this variant in disease. Therefore, it has been classified as a Variant of Uncertain Significance. ClinVar contains an entry for this variant (Variation ID: 1519825). This variant has not been reported in the literature in individuals affected with CEP164-related conditions. This variant is not present in population databases (gnomAD no frequency). This variant is a gross deletion of the genomic region encompassing exon(s) 7 of the CEP164 gene. This variant would be expected to be in-frame, preserving the integrity of the reading frame.